The following is an entry in ClinVar:

ClinVar aggregate classification (germline): Likely pathogenic (1 of 4 stars; one submission).

Conditions:
Dilated cardiomyopathy 1G (CMD1G). Identifiers: Orphanet 154, MedGen C1858763, MONDO:0011400, OMIM 604145.
Autosomal recessive limb-girdle muscular dystrophy type 2J (LGMDR10). Also called: Limb-girdle muscular dystrophy, type 2J; MUSCULAR DYSTROPHY, LIMB-GIRDLE, AUTOSOMAL RECESSIVE 10. Identifiers: Orphanet 140922, MedGen C1837342, MONDO:0012127, OMIM 608807.

Submission:

Labcorp Genetics (formerly Invitae), Labcorp
Classification: Likely pathogenic for Dilated cardiomyopathy 1G; Autosomal recessive limb-girdle muscular dystrophy type 2J. Last evaluated: 2024-12-23. Review status: criteria provided, single submitter. Criteria: Invitae Variant Classification Sherloc (09022015). Collection method: clinical testing. Allele origin: germline.
Comment: This sequence change creates a premature translational stop signal (p.Gln4265*) in the TTN gene. While this is not anticipated to result in nonsense mediated decay, it is expected to create a truncated TTN protein. This variant is not present in population databases (gnomAD no frequency). This variant has not been observed in the literature in individuals with autosomal recessive TTN-related conditions. This variant has been reported in individual(s) with autosomal dominant dilated cardiomyopathy (internal data); however, the role of the variant in this condition is currently unclear. This variant is located in the I band of TTN (PMID: 25589632). Truncating variants in this region have been reported in individuals affected with autosomal recessive centronuclear myopathy (PMID: 23975875, internal data). Truncating variants in this region have also been identified in individuals affected with autosomal dominant dilated cardiomyopathy and/or cardio-related conditions (PMID: 27869827, 32964742, internal data). In summary, the currently available evidence indicates that the variant is pathogenic, but additional data are needed to prove that conclusively. Therefore, this variant has been classified as Likely Pathogenic.

Literature cited by the submitters: PubMed 25589632; PubMed 23975875; PubMed 27869827; PubMed 32964742.

NM_001267550.2(TTN):c.12793C>T (p.Gln4265Ter)

Gene: TTN (titin; minus strand). Cytogenetic location: 2q31.2.
Variant type: single nucleotide variant.
Coding change: c.12793C>T on transcript NM_001267550.2 (MANE Select); coding-DNA position 12793, C replaced by T.
Protein change: p.Gln4265Ter; replaces glutamine 4265 with a stop codon.
Molecular consequence: nonsense. On other transcripts: intron variant (1).
Genome position (GRCh38, 1-based): chr2:178,740,440, G>A on the plus strand (C>T on the coding strand, the complement: TTN is on the minus strand). VCF-style: chr2-178740440-G-A. GRCh37 (hg19) VCF-style: chr2-179605167-G-A.
Other names: c.11842C>T, p.Gln3948Ter (NM_001256850.1); c.11704C>T, p.Gln3902Ter (NM_003319.4); c.12079C>T, p.Gln4027Ter (NM_133432.3); c.12280C>T, p.Gln4094Ter (NM_133437.4); c.10361-2080C>T (NM_133378.4); short protein forms Q3902*, Q3948*, Q4027*, Q4094*, Q4265*.
Identifiers: ClinVar variation 3759683 (VCV003759683.2).